The following is an entry in ClinVar:

ClinVar aggregate classification (germline): Benign. Review status: criteria provided, multiple submitters, no conflicts (2 of 4 stars). 7 submissions from 7 submitters: Benign (4). 3 of the submissions do not count toward it. Last evaluated 2024-07-15.

Conditions:
Tuberous sclerosis syndrome (TSC). Also called: Tuberous Sclerosis Complex; Tuberous sclerosis. Identifiers: Orphanet 805, MedGen C0041341, MONDO:0001734.
Tuberous sclerosis 2 (TSC2). Identifiers: Orphanet 805, MedGen C1860707, MONDO:0013199, OMIM 613254.

Allele frequency attached by ClinVar (database versions not stated): 1000 Genomes Project 0.39337; 1000 Genomes Project 30x 0.40365; gnomAD 0.42279 and 0.43502; TOPMed 0.44154.
gnomAD v4.1: 562,035 of 1,612,486 alleles (35%); highest among the groups gnomAD compares: African/African-American, 68%; 103,676 homozygotes.

Submissions (7):

Unidad de Genómica Garrahan, Hospital de Pediatría Garrahan
Classification: Benign. Last evaluated: 2024-07-15. Review status: criteria provided, single submitter. Criteria: ACMG Guidelines, 2015. Collection method: clinical testing. Allele origin: germline. Affected: no. Observed: 40 variant alleles.
Comment: This variant is classified as Benign based on local population frequency. This variant was detected in 43% of patients studied in a panel designed for Epileptic and Developmental Encephalopathy and Progressive Myoclonus Epilepsy. Number of patients: 40. Only high quality variants are reported.

Genome-Nilou Lab
Classification: Benign for Tuberous sclerosis 2. Last evaluated: 2021-07-14. Review status: criteria provided, single submitter. Criteria: ACMG Guidelines, 2015. Collection method: clinical testing. Allele origin: germline. Affected: no.

GeneDx
Classification: Benign. Last evaluated: 2018-06-20. Review status: criteria provided, single submitter. Criteria: GeneDx Variant Classification (06012015). Collection method: clinical testing. Allele origin: germline. Affected: yes.
Comment: This variant is considered likely benign or benign based on one or more of the following criteria: it is a conservative change, it occurs at a poorly conserved position in the protein, it is predicted to be benign by multiple in silico algorithms, and/or has population frequency not consistent with disease.

Breakthrough Genomics
Classification: Benign. Review status: criteria provided, single submitter. Criteria: ACMG Guidelines, 2015. Collection method: not provided. Allele origin: germline. Inheritance: Autosomal dominant inheritance. Affected: yes.

Clinical Genetics DNA and cytogenetics Diagnostics Lab, Erasmus MC, Erasmus Medical Center
Classification: Benign. Review status: no assertion criteria provided. Collection method: clinical testing. Allele origin: germline. Affected: yes. Study: VKGL Data-share Consensus. Not counted in ClinVar's aggregate classification.

Genome Diagnostics Laboratory, University Medical Center Utrecht
Classification: Benign. Review status: no assertion criteria provided. Collection method: clinical testing. Allele origin: germline. Affected: yes. Study: VKGL Data-share Consensus. Not counted in ClinVar's aggregate classification.

Tuberous sclerosis database (TSC2)
No classification provided. Condition: TSC. Review status: no classification provided. Criteria: Tuberous Sclerosis Database Assertion Criteria 2015. Collection method: curation. Allele origin: germline. Affected: yes. Not counted in ClinVar's aggregate classification.

NM_000548.5(TSC2):c.1717-55T>C

Gene: TSC2 (TSC complex subunit 2; plus strand). Cytogenetic location: 16p13.3.
Variant type: single nucleotide variant.
Coding change: c.1717-55T>C on transcript NM_000548.5 (MANE Select); 55 bases into the intron before coding-DNA position 1717, T replaced by C.
Molecular consequence: intron variant.
Genome position (GRCh38, 1-based): chr16:2,070,401, T>C. VCF-style: chr16-2070401-T-C. GRCh37 (hg19) VCF-style: chr16-2120402-T-C.
Other names: c.1717-55T>C (NM_001114382.3, NM_021055.3, NM_001370405.1 and 3 more transcripts); c.1606-55T>C (NM_001318827.2); c.1117-55T>C (NM_001318831.2); c.1570-55T>C (NM_001318829.2); c.1750-55T>C (NM_001318832.2).
Identifiers: ClinVar variation 65157 (VCV000065157.9), dbSNP rs7187438, ClinGen allele CA015573.